The following is an entry in ClinVar:

NM_000206.3(IL2RG):c.725A>G (p.His242Arg)

Gene: IL2RG (interleukin 2 receptor subunit gamma; minus strand). Cytogenetic location: Xq13.1.
Variant type: single nucleotide variant.
Coding change: c.725A>G on transcript NM_000206.3 (MANE Select); coding-DNA position 725, A replaced by G.
Protein change: p.His242Arg; replaces histidine 242 with arginine.
Molecular consequence: missense variant.
Genome position (GRCh38, 1-based): chrX:71,109,260, T>C on the plus strand (A>G on the coding strand, the complement: IL2RG is on the minus strand). VCF-style: chrX-71109260-T-C. GRCh37 (hg19) VCF-style: chrX-70329110-T-C.
Other names: short protein forms H242R.
Identifiers: ClinVar variation 3014753 (VCV003014753.3), dbSNP rs2092258005, ClinGen allele CA413495872.

ClinVar aggregate classification (germline): Uncertain significance (1 of 4 stars; one submission).

Conditions:
X-linked severe combined immunodeficiency (SCIDX1). Also called: IMMUNODEFICIENCY 4; SCID, X-LINKED; SEVERE COMBINED IMMUNODEFICIENCY, X-LINKED, T CELL-NEGATIVE, B CELL-POSITIVE, NK CELL-NEGATIVE; X-Linked Combined Immunodeficiency Diseases; T-B+ severe combined immunodeficiency due to gamma chain deficiency. Identifiers: Orphanet 276, MedGen C6022468, MONDO:0010315, OMIM 300400. Disease mechanism: loss of function.

Allele frequency attached by ClinVar (database versions not stated): gnomAD 0.00001.
gnomAD v4.1: 1 of 1,209,363 alleles (0.000083%); highest among the groups gnomAD compares: African/African-American, 0.0018%; no homozygotes.

Submission:

Labcorp Genetics (formerly Invitae), Labcorp
Classification: Uncertain significance for X-linked severe combined immunodeficiency. Last evaluated: 2023-02-05. Review status: criteria provided, single submitter. Criteria: Invitae Variant Classification Sherloc (09022015). Collection method: clinical testing. Allele origin: germline.
Comment: In summary, the available evidence is currently insufficient to determine the role of this variant in disease. Therefore, it has been classified as a Variant of Uncertain Significance. Advanced modeling of protein sequence and biophysical properties (such as structural, functional, and spatial information, amino acid conservation, physicochemical variation, residue mobility, and thermodynamic stability) performed at Invitae indicates that this missense variant is not expected to disrupt IL2RG protein function. This variant has not been reported in the literature in individuals affected with IL2RG-related conditions. This variant is not present in population databases (gnomAD no frequency). This sequence change replaces histidine, which is basic and polar, with arginine, which is basic and polar, at codon 242 of the IL2RG protein (p.His242Arg).